The following is an entry in ClinVar:

NM_001379500.1(COL18A1):c.568C>T (p.Arg190Trp)

Gene: COL18A1 (collagen type XVIII alpha 1 chain; plus strand). Cytogenetic location: 21q22.3.
Variant type: single nucleotide variant.
Coding change: c.568C>T on transcript NM_001379500.1 (MANE Select); coding-DNA position 568, C replaced by T.
Protein change: p.Arg190Trp; replaces arginine 190 with tryptophan.
Molecular consequence: missense variant.
Genome position (GRCh38, 1-based): chr21:45,468,703, C>T. VCF-style: chr21-45468703-C-T. GRCh37 (hg19) VCF-style: chr21-46888617-C-T.
Other names: NM_130445.2:c.568C>T; c.1108C>T, p.Arg370Trp (NM_030582.4); c.1813C>T, p.Arg605Trp (NM_130444.3); short protein forms R190W, R605W, R370W.
Identifiers: ClinVar variation 1369050 (VCV001369050.5), dbSNP rs772265744, ClinGen allele CA10065783.

ClinVar aggregate classification (germline): Uncertain significance. Review status: criteria provided, multiple submitters, no conflicts (2 of 4 stars). 2 submissions from 2 submitters: Uncertain significance (2). Last evaluated 2026-01-26.

Conditions:
Inborn genetic diseases. Identifiers: MedGen C0950123, MeSH D030342.

Allele frequency attached by ClinVar (database versions not stated): ExAC 0.00001; gnomAD exomes 0.00001; gnomAD 0.00003 and 0.00004; TOPMed 0.00003.
gnomAD v4.1: 12 of 1,613,094 alleles (0.00074%); highest among the groups gnomAD compares: African/African-American, 0.0053%; no homozygotes.

Submissions (2):

Labcorp Genetics (formerly Invitae), Labcorp
Classification: Uncertain significance. Last evaluated: 2026-01-26. Review status: criteria provided, single submitter. Criteria: Invitae Variant Classification Sherloc (09022015). Collection method: clinical testing. Allele origin: germline.
Comment: This sequence change replaces arginine, which is basic and polar, with tryptophan, which is neutral and slightly polar, at codon 190 of the COL18A1 protein (p.Arg190Trp). This variant is present in population databases (rs772265744, gnomAD 0.005%). This variant has not been reported in the literature in individuals affected with COL18A1-related conditions. ClinVar contains an entry for this variant (Variation ID: 1369050). Experimental studies and prediction algorithms are not available or were not evaluated, and the functional significance of this variant is currently unknown. In summary, the available evidence is currently insufficient to determine the role of this variant in disease. Therefore, it has been classified as a Variant of Uncertain Significance.

Ambry Genetics
Classification: Uncertain significance for Inborn genetic diseases. Last evaluated: 2025-09-25. Review status: criteria provided, single submitter. Criteria: Ambry Variant Classification Scheme 2023. Collection method: clinical testing. Allele origin: germline.